The following is an entry in ClinVar:

ClinVar aggregate classification (germline): Uncertain significance (1 of 4 stars; one submission).

Allele frequency attached by ClinVar (database versions not stated): TOPMed below 0.00001; gnomAD exomes 0.00001.
gnomAD v4.1: 9 of 1,609,256 alleles (0.00056%); highest among the groups gnomAD compares: Non-Finnish European, 0.00068%; no homozygotes.

Submission:

Ambry Genetics
Classification: Uncertain significance. Last evaluated: 2021-07-26. Review status: criteria provided, single submitter. Criteria: Ambry Variant Classification Scheme 2023. Collection method: clinical testing. Allele origin: germline.
Comment: The p.H73Y variant (also known as c.217C>T), located in coding exon 2 of the ALPK2 gene, results from a C to T substitution at nucleotide position 217. The histidine at codon 73 is replaced by tyrosine, an amino acid with similar properties. This amino acid position is conserved. In addition, this alteration is predicted to be tolerated by in silico analysis. Since supporting evidence is limited at this time, the clinical significance of this alteration remains unclear.

NM_052947.4(ALPK2):c.217C>T (p.His73Tyr)

Gene: ALPK2 (alpha kinase 2; minus strand). Cytogenetic location: 18q21.32.
Variant type: single nucleotide variant.
Coding change: c.217C>T on transcript NM_052947.4 (MANE Select); coding-DNA position 217, C replaced by T.
Protein change: p.His73Tyr; replaces histidine 73 with tyrosine.
Molecular consequence: missense variant.
Genome position (GRCh38, 1-based): chr18:58,607,332, G>A on the plus strand (C>T on the coding strand, the complement: ALPK2 is on the minus strand). VCF-style: chr18-58607332-G-A. GRCh37 (hg19) VCF-style: chr18-56274564-G-A.
Other names: short protein forms H73Y.
Identifiers: ClinVar variation 1787240 (VCV001787240.2), dbSNP rs1438898959, ClinGen allele CA402555720.